The following is an entry in ClinVar:

ClinVar aggregate classification (germline): Uncertain significance (1 of 4 stars; one submission).

Allele frequency attached by ClinVar (database versions not stated): gnomAD 0.00001; gnomAD exomes 0.00001 and 0.00002; TOPMed 0.00001.
gnomAD v4.1: 24 of 1,613,750 alleles (0.0015%); highest among the groups gnomAD compares: Non-Finnish European, 0.0019%; no homozygotes.

Submission:

Labcorp Genetics (formerly Invitae), Labcorp
Classification: Uncertain significance. Last evaluated: 2022-12-07. Review status: criteria provided, single submitter. Criteria: Invitae Variant Classification Sherloc (09022015). Collection method: clinical testing. Allele origin: germline.
Comment: In summary, the available evidence is currently insufficient to determine the role of this variant in disease. Therefore, it has been classified as a Variant of Uncertain Significance. Algorithms developed to predict the effect of missense changes on protein structure and function are either unavailable or do not agree on the potential impact of this missense change (SIFT: "Deleterious"; PolyPhen-2: "Not Available"; Align-GVGD: "Class C0"). ClinVar contains an entry for this variant (Variation ID: 1417883). This variant has not been reported in the literature in individuals affected with PCLO-related conditions. This variant is present in population databases (no rsID available, gnomAD 0.002%). This sequence change replaces leucine, which is neutral and non-polar, with proline, which is neutral and non-polar, at codon 2125 of the PCLO protein (p.Leu2125Pro).

NM_033026.6(PCLO):c.6374T>C (p.Leu2125Pro)

Gene: PCLO (piccolo presynaptic cytomatrix protein; minus strand). Cytogenetic location: 7q21.11.
Variant type: single nucleotide variant.
Coding change: c.6374T>C on transcript NM_033026.6 (MANE Select); coding-DNA position 6374, T replaced by C.
Protein change: p.Leu2125Pro; replaces leucine 2125 with proline.
Molecular consequence: missense variant.
Genome position (GRCh38, 1-based): chr7:82,954,579, A>G on the plus strand (T>C on the coding strand, the complement: PCLO is on the minus strand). VCF-style: chr7-82954579-A-G. GRCh37 (hg19) VCF-style: chr7-82583895-A-G.
Other names: c.6374T>C, p.Leu2125Pro (NM_014510.3); short protein forms L2125P.
Identifiers: ClinVar variation 1417883 (VCV001417883.6), dbSNP rs971806074, ClinGen allele CA161147588.